The following is an entry in ClinVar:

NM_177438.3(DICER1):c.883T>G (p.Ser295Ala)

Gene: DICER1 (dicer 1, ribonuclease III; minus strand). Cytogenetic location: 14q32.13.
Variant type: single nucleotide variant.
Coding change: c.883T>G on transcript NM_177438.3 (MANE Select); coding-DNA position 883, T replaced by G.
Protein change: p.Ser295Ala; replaces serine 295 with alanine.
Molecular consequence: missense variant. On other transcripts: 5 prime UTR variant (1), non-coding transcript variant (6).
Genome position (GRCh38, 1-based): chr14:95,126,600, A>C on the plus strand (T>G on the coding strand, the complement: DICER1 is on the minus strand). VCF-style: chr14-95126600-A-C. GRCh37 (hg19) VCF-style: chr14-95592937-A-C.
Other names: c.883T>G, p.Ser295Ala (NM_001195573.1, NM_001271282.3, NM_001291628.2 and 14 more transcripts); c.478T>G, p.Ser160Ala (NM_001395687.1, NM_001395688.1, NM_001395689.1 and 3 more transcripts); c.601T>G, p.Ser201Ala (NM_001395686.1); c.316T>G, p.Ser106Ala (NM_001395691.1); c.-686T>G (NM_001395697.1); short protein forms S106A, S201A, S295A, S160A.
Identifiers: ClinVar variation 4636680 (VCV004636680.1).

ClinVar aggregate classification (germline): Uncertain significance (1 of 4 stars; one submission).

Conditions:
Hereditary cancer-predisposing syndrome. Also called: Neoplastic Syndromes, Hereditary; Tumor predisposition; Hereditary Cancer Syndrome; Hereditary neoplastic syndrome. Identifiers: Orphanet 140162, MedGen C0027672, MeSH D009386, MONDO:0015356.

Submission:

Ambry Genetics
Classification: Uncertain significance for Hereditary cancer-predisposing syndrome. Last evaluated: 2025-09-16. Review status: criteria provided, single submitter. Criteria: Ambry Variant Classification Scheme 2023. Collection method: clinical testing. Allele origin: germline.
Comment: The p.S295A variant (also known as c.883T>G), located in coding exon 6 of the DICER1 gene, results from a T to G substitution at nucleotide position 883. The serine at codon 295 is replaced by alanine, an amino acid with similar properties. This amino acid position is conserved. In addition, this alteration is predicted to be tolerated by in silico analysis. Based on the available evidence, the clinical significance of this variant remains unclear.